The following is an entry in ClinVar:

NM_007126.5(VCP):c.1357C>T (p.Arg453Trp)

Gene: VCP (valosin containing protein; minus strand). Cytogenetic location: 9p13.3.
Variant type: single nucleotide variant.
Coding change: c.1357C>T on transcript NM_007126.5 (MANE Select); coding-DNA position 1357, C replaced by T.
Protein change: p.Arg453Trp; replaces arginine 453 with tryptophan.
Molecular consequence: missense variant.
Genome position (GRCh38, 1-based): chr9:35,061,017, G>A on the plus strand (C>T on the coding strand, the complement: VCP is on the minus strand). VCF-style: chr9-35061017-G-A. GRCh37 (hg19) VCF-style: chr9-35061014-G-A.
Other names: c.1222C>T, p.Arg408Trp (NM_001354927.2, NM_001354928.2); short protein forms R408W, R453W.
Identifiers: ClinVar variation 1313226 (VCV001313226.7), dbSNP rs755519450, ClinGen allele CA5039278.
Genomic context (GRCh38, chr9:35,061,017, plus strand): 5'-ATCAAGGGAGGGGTCAAAGCACGTATGTGTGTACCTGAGGCACGGGTGTGGTCCTTACCC[G>A]GAAGTCATCCATAGTAACTGCTAGAGAGTTCATGACCTCGGCATCAATGGTCTCATCCTC-3'
Protein context (NP_009057.1, residues 443-463): NSLAVTMDDF[Arg453Trp]WALSQSNPSA

ClinVar aggregate classification (germline): Uncertain significance. Review status: criteria provided, multiple submitters, no conflicts (2 of 4 stars). 2 submissions from 2 submitters: Uncertain significance (2). Last evaluated 2024-03-27.

Conditions:
Inclusion body myopathy with Paget disease of bone and frontotemporal dementia. Also called: Inclusion body myopathy with early-onset Paget disease and frontotemporal dementia. Identifiers: Orphanet 52430, MedGen C1833662, MONDO:0000507.
Frontotemporal dementia and/or amyotrophic lateral sclerosis 6 (FTDALS6). Also called: VCP-Related Amyotrophic Lateral Sclerosis; VCP-Related Amyotrophic Lateral Sclerosis/Frontotemporal Dementia. Identifiers: Orphanet 275872, Orphanet 803, MedGen C5436279, MONDO:0013501, OMIM 613954.

Allele frequency attached by ClinVar (database versions not stated): gnomAD exomes below 0.00001; ExAC 0.00001.
gnomAD v4.1: 3 of 1,614,064 alleles (0.00019%); highest among the groups gnomAD compares: South Asian, 0.0011%; no homozygotes.

Submissions (2):

Labcorp Genetics (formerly Invitae), Labcorp
Classification: Uncertain significance for Inclusion body myopathy with Paget disease of bone and frontotemporal dementia; Frontotemporal dementia and/or amyotrophic lateral sclerosis 6. Last evaluated: 2024-03-27. Review status: criteria provided, single submitter. Criteria: Invitae Variant Classification Sherloc (09022015). Collection method: clinical testing. Allele origin: germline.
Comment: This sequence change replaces arginine, which is basic and polar, with tryptophan, which is neutral and slightly polar, at codon 453 of the VCP protein (p.Arg453Trp). This variant is present in population databases (rs755519450, gnomAD 0.003%). This variant has not been reported in the literature in individuals affected with VCP-related conditions. ClinVar contains an entry for this variant (Variation ID: 1313226). An algorithm developed to predict the effect of missense changes on protein structure and function (PolyPhen-2) suggests that this variant is likely to be disruptive. In summary, the available evidence is currently insufficient to determine the role of this variant in disease. Therefore, it has been classified as a Variant of Uncertain Significance.

GeneDx
Classification: Uncertain significance. Last evaluated: 2020-10-08. Review status: criteria provided, single submitter. Criteria: GeneDx Variant Classification Process June 2021. Collection method: clinical testing. Allele origin: germline. Affected: yes.
Comment: Not observed at a significant frequency in large population cohorts (Lek et al., 2016); In silico analysis supports that this missense variant has a deleterious effect on protein structure/function; Has not been previously published as pathogenic or benign to our knowledge